The following is an entry in ClinVar:

NM_015100.4(POGZ):c.3184G>A (p.Glu1062Lys)

Gene: POGZ (pogo transposable element derived with ZNF domain; minus strand). Cytogenetic location: 1q21.3.
Variant type: single nucleotide variant.
Coding change: c.3184G>A on transcript NM_015100.4 (MANE Select); coding-DNA position 3184, G replaced by A.
Protein change: p.Glu1062Lys; replaces glutamic acid 1062 with lysine.
Molecular consequence: missense variant.
Genome position (GRCh38, 1-based): chr1:151,405,851, C>T on the plus strand (G>A on the coding strand, the complement: POGZ is on the minus strand). VCF-style: chr1-151405851-C-T. GRCh37 (hg19) VCF-style: chr1-151378327-C-T.
Other names: c.3157G>A, p.Glu1053Lys (NM_001194937.2); c.2998G>A, p.Glu1000Lys (NM_001194938.2); c.3205G>A, p.Glu1069Lys (NM_001410860.1); c.2899G>A, p.Glu967Lys (NM_145796.4); c.3025G>A, p.Glu1009Lys (NM_207171.2); short protein forms E1000K, E1009K, E1053K, E1062K, E1069K, E967K.
Identifiers: ClinVar variation 4856281 (VCV004856281.1).
Genomic context (GRCh38, chr1:151,405,851, plus strand): 5'-TCAGGTGGTGCCGCAGCATGAAACGCACAGCCCACTCATAGGAGATCTTAAACCCCCCTT[C>T]CAAAGAACGTCCTATTTTGGTGGCCTTCTGGAACAAGGTCTCCTCATTTACAGGTAGCTG-3'
Protein context (NP_055915.2, residues 1052-1072): QKATKIGRSL[Glu1062Lys]GGFKISYEWA

ClinVar aggregate classification (germline): Likely pathogenic (1 of 4 stars; one submission).

Conditions:
Intellectual disability-microcephaly-strabismus-behavioral abnormalities syndrome. Also called: White-Sutton Syndrome. Identifiers: Orphanet 468678, MedGen C4225351, MONDO:0014606, OMIM 616364.

Submission:

3billion
Classification: Likely pathogenic for Intellectual disability-microcephaly-strabismus-behavioral abnormalities syndrome. Last evaluated: 2026-01-23. Review status: criteria provided, single submitter. Criteria: ACMG Guidelines, 2015. Collection method: clinical testing. Allele origin: germline. Affected: yes.
Comment: The variant is not observed in the gnomAD v4.1.0 dataset. Predicted Consequence/Location: Missense variant. Missense changes are a common disease-causing mechanism. In silico tool predictions suggest damaging effect of the variant on gene or gene product [REVEL: 0.30 (>=0.6, sensitivity 0.68 and specificity 0.92); 3Cnet: 0.82 (> 0.75, sensitivity 0.96 and precision 0.92)]. The same nucleotide change resulting in the same amino acid change has been previously reported to be associated with POGZ-related disorder (PMID: 35873028).The variant has been previously reported as de novo in a similarly affected individual (PMID: 35873028). Therefore, this variant is classified as Likely pathogenic according to the recommendation of ACMG/AMP guideline.

Literature cited by the submitters: PubMed 35873028.